The following is an entry in ClinVar:

NM_003737.4(DCHS1):c.1286G>A (p.Arg429Gln)

Gene: DCHS1 (dachsous cadherin-related 1; minus strand). Cytogenetic location: 11p15.4.
Variant type: single nucleotide variant.
Coding change: c.1286G>A on transcript NM_003737.4 (MANE Select); coding-DNA position 1286, G replaced by A.
Protein change: p.Arg429Gln; replaces arginine 429 with glutamine.
Molecular consequence: missense variant.
Genome position (GRCh38, 1-based): chr11:6,640,328, C>T on the plus strand (G>A on the coding strand, the complement: DCHS1 is on the minus strand). VCF-style: chr11-6640328-C-T. GRCh37 (hg19) VCF-style: chr11-6661559-C-T.
Other names: short protein forms R429Q.
Identifiers: ClinVar variation 2395704 (VCV002395704.4), dbSNP rs140729879, ClinGen allele CA5860995.
Genomic context (GRCh38, chr11:6,640,328, plus strand): 5'-GAGCCTGAGTCTGTGGCTGTAACCCTCAAGTTATAGGCATCCCTCTCCTCTCGATCCAGC[C>T]GCCGAGCCACACACACCAGATAGATGACGCTGTCTTGGGTGCTTAGGGCAAAGTGGCCCT-3'
Protein context (NP_003728.1, residues 419-439): SVIYLVCVAR[Arg429Gln]LDREERDAYN

ClinVar aggregate classification (germline): Conflicting classifications of pathogenicity. Review status: criteria provided, conflicting classifications (1 of 4 stars). 2 submissions from 2 submitters: Uncertain significance (1); Likely benign (1). Last evaluated 2025-12-15.

Conditions:
Inborn genetic diseases. Identifiers: MedGen C0950123, MeSH D030342.

Allele frequency attached by ClinVar (database versions not stated): gnomAD exomes 0.00001; ExAC 0.00002; ESP Exome Variant Server 0.00008; TOPMed 0.00005; gnomAD 0.00007.
gnomAD v4.1: 33 of 1,609,860 alleles (0.002%); highest among the groups gnomAD compares: African/African-American, 0.011%; no homozygotes.

Submissions (2):

Labcorp Genetics (formerly Invitae), Labcorp
Classification: Uncertain significance. Last evaluated: 2025-12-15. Review status: criteria provided, single submitter. Criteria: Invitae Variant Classification Sherloc (09022015). Collection method: clinical testing. Allele origin: germline.
Comment: This sequence change replaces arginine, which is basic and polar, with glutamine, which is neutral and polar, at codon 429 of the DCHS1 protein (p.Arg429Gln). This variant is present in population databases (rs140729879, gnomAD 0.003%). This variant has not been reported in the literature in individuals affected with DCHS1-related conditions. ClinVar contains an entry for this variant (Variation ID: 2395704). Invitae Evidence Modeling of protein sequence and biophysical properties (such as structural, functional, and spatial information, amino acid conservation, physicochemical variation, residue mobility, and thermodynamic stability) indicates that this missense variant is not expected to disrupt DCHS1 protein function with a negative predictive value of 80%. In summary, the available evidence is currently insufficient to determine the role of this variant in disease. Therefore, it has been classified as a Variant of Uncertain Significance.

Ambry Genetics
Classification: Likely benign for Inborn genetic diseases. Last evaluated: 2021-06-18. Review status: criteria provided, single submitter. Criteria: Ambry Variant Classification Scheme 2023. Collection method: clinical testing. Allele origin: germline.